The following is an entry in ClinVar:

ClinVar aggregate classification (germline): Uncertain significance (1 of 4 stars; one submission).

gnomAD v4.1: 1 of 1,598,962 alleles (0.000063%); highest among the groups gnomAD compares: Non-Finnish European, 0.000085%; no homozygotes.

Submission:

GeneDx
Classification: Uncertain significance. Last evaluated: 2023-06-29. Review status: criteria provided, single submitter. Criteria: GeneDx Variant Classification Process June 2021. Collection method: clinical testing. Allele origin: germline. Affected: yes.
Comment: Not observed at significant frequency in large population cohorts (gnomAD); In silico analysis supports that this missense variant does not alter protein structure/function; Has not been previously published as pathogenic or benign to our knowledge

NM_001374353.1(GLI2):c.4114G>A (p.Val1372Met)

Gene: GLI2 (GLI family zinc finger 2; plus strand). Cytogenetic location: 2q14.2.
Variant type: single nucleotide variant.
Coding change: c.4114G>A on transcript NM_001374353.1 (MANE Select); coding-DNA position 4114, G replaced by A.
Protein change: p.Val1372Met; replaces valine 1372 with methionine.
Molecular consequence: missense variant.
Genome position (GRCh38, 1-based): chr2:120,990,079, G>A. VCF-style: chr2-120990079-G-A. GRCh37 (hg19) VCF-style: chr2-121747655-G-A.
Other names: c.4165G>A, p.Val1389Met (NM_001371271.1, NM_005270.5); c.3739G>A, p.Val1247Met (NM_001374354.1); short protein forms V1247M, V1372M, V1389M.
Identifiers: ClinVar variation 3360500 (VCV003360500.1).